The following is an entry in ClinVar:

NM_007294.4(BRCA1):c.4984T>G (p.Phe1662Val)

Gene: BRCA1 (BRCA1 DNA repair associated; minus strand). Cytogenetic location: 17q21.31.
Variant type: single nucleotide variant.
Coding change: c.4984T>G on transcript NM_007294.4 (MANE Select); coding-DNA position 4984, T replaced by G.
Protein change: p.Phe1662Val; replaces phenylalanine 1662 with valine.
Molecular consequence: missense variant. On other transcripts: non-coding transcript variant (1).
Genome position (GRCh38, 1-based): chr17:43,070,930, A>C on the plus strand (T>G on the coding strand, the complement: BRCA1 is on the minus strand). VCF-style: chr17-43070930-A-C. GRCh37 (hg19) VCF-style: chr17-41222947-A-C.
Other names: c.4771T>G, p.Phe1591Val (NM_001407571.1, NM_001407894.1, NM_001407895.1 and 12 more transcripts); c.5050T>G, p.Phe1684Val (NM_001407581.1, NM_001407582.1); c.5047T>G, p.Phe1683Val (NM_001407583.1, NM_001407585.1, NM_001407587.1 and 1 more transcripts); c.5044T>G, p.Phe1682Val (NM_001407590.1, NM_001407591.1); c.4984T>G, p.Phe1662Val (NM_001407593.1, NM_001407594.1, NM_001407596.1 and 8 more transcripts); c.4981T>G, p.Phe1661Val (NM_001407617.1, NM_001407618.1, NM_001407619.1 and 17 more transcripts); c.4978T>G, p.Phe1660Val (NM_001407636.1, NM_001407637.1, NM_001407638.1 and 14 more transcripts); c.4975T>G, p.Phe1659Val (NM_001407644.1, NM_001407645.1); and 70 more; short protein forms F1683V, F1615V, F1662V, F558V, F1533V, F1573V, F1592V, F1636V.
Identifiers: ClinVar variation 865488 (VCV000865488.3), dbSNP rs2052354206, ClinGen allele CA10591555.

Conditions:
Breast-ovarian cancer, familial, susceptibility to, 1 (BROVCA1). Also called: BRCA1 Hereditary Breast and Ovarian Cancer; OVARIAN CANCER, SUSCEPTIBILITY TO. Identifiers: Orphanet 145, MedGen C2676676, MONDO:0011450, OMIM 604370. Disease mechanism: loss of function.

Allele frequency attached by ClinVar (database versions not stated): gnomAD exomes below 0.00001.
gnomAD v4.1: 1 of 1,614,154 alleles (0.000062%); highest among the groups gnomAD compares: Non-Finnish European, 0.000085%; no homozygotes.

Submission:

Brotman Baty Institute, University of Washington
No classification provided (evidence only). Condition: Breast-ovarian cancer, familial 1. Review status: no classification provided. Collection method: in vitro. Allele origin: not applicable. Functional consequence: functionally_normal.
ClinVar note: "not provided" was previously submitted as the classification for the variant. However, the classification appeared to be based only on an observation of functional data so it was converted to no classification on 2025-07-30.